The following is an entry in ClinVar:

ClinVar aggregate classification (germline): Likely benign. Review status: criteria provided, multiple submitters, no conflicts (2 of 4 stars). 2 submissions from 2 submitters: Likely benign (2). Last evaluated 2024-01-16.

Allele frequency attached by ClinVar (database versions not stated): gnomAD exomes below 0.00001; ExAC 0.00001; gnomAD 0.00001; TOPMed 0.00002; 1000 Genomes Project 30x 0.00016; 1000 Genomes Project 0.00020.

Submissions (2):

Labcorp Genetics (formerly Invitae), Labcorp
Classification: Likely benign. Last evaluated: 2024-01-16. Review status: criteria provided, single submitter. Criteria: Invitae Variant Classification Sherloc (09022015). Collection method: clinical testing. Allele origin: germline.

CeGaT Center for Human Genetics Tuebingen
Classification: Likely benign. Last evaluated: 2023-04-01. Review status: criteria provided, single submitter. Criteria: CeGaT Center For Human Genetics Tuebingen Variant Classification Criteria Version 2. Collection method: clinical testing. Allele origin: germline. Affected: yes. Observed: 1 variant allele.
Comment: MYO15A: BP4, BP7

NM_016239.4(MYO15A):c.1581C>T (p.Tyr527=)

Gene: MYO15A (myosin XVA; plus strand). Cytogenetic location: 17p11.2.
Variant type: single nucleotide variant.
Coding change: c.1581C>T on transcript NM_016239.4 (MANE Select); coding-DNA position 1581, C replaced by T.
Protein change: p.Tyr527=; no amino-acid change (tyrosine 527 retained).
Molecular consequence: synonymous variant.
Genome position (GRCh38, 1-based): chr17:18,120,381, C>T. VCF-style: chr17-18120381-C-T. GRCh37 (hg19) VCF-style: chr17-18023695-C-T.
Identifiers: ClinVar variation 2647541 (VCV002647541.27), dbSNP rs565387390, ClinGen allele CA8423127.